The following is an entry in ClinVar:

ClinVar aggregate classification (germline): Uncertain significance (1 of 4 stars; one submission).

Conditions:
Chuvash polycythemia. Also called: POLYCYTHEMIA, VHL-DEPENDENT. Identifiers: Orphanet 238557, MedGen C1837915, MONDO:0009892, OMIM 263400.
Von Hippel-Lindau syndrome (VHLS). Also called: Von Hippel-Lindau; von Hippel–Lindau syndrome; VHL syndrome. Identifiers: Orphanet 892, MedGen C0019562, MONDO:0008667, OMIM 193300. Disease mechanism: loss of function.

Allele frequency attached by ClinVar (database versions not stated): gnomAD 0.00001.
gnomAD v4.1: 1 of 152,442 alleles (0.00066%); highest among the groups gnomAD compares: Non-Finnish European, 0.0015%; no homozygotes.

Submission:

Labcorp Genetics (formerly Invitae), Labcorp
Classification: Uncertain significance for Von Hippel-Lindau syndrome; Chuvash polycythemia. Last evaluated: 2025-05-13. Review status: criteria provided, single submitter. Criteria: Invitae Variant Classification Sherloc (09022015). Collection method: clinical testing. Allele origin: germline.
Comment: This sequence change falls in intron 1 of the VHL gene. It is not expected to change the encoded amino acid sequence of the VHL protein. However, this sequence change falls within a cryptic exon in the VHL gene, known as exon E1’, which is naturally expressed at low levels in several human tissues (PMID: 29891534). This variant is not present in population databases (gnomAD no frequency). This variant has not been reported in the literature in individuals affected with VHL-related conditions. ClinVar contains an entry for this variant (Variation ID: 1373396). Experimental studies and prediction algorithms are not available or were not evaluated, and the functional significance of this variant is currently unknown. Algorithms developed to predict the effect of sequence changes on RNA splicing suggest that this variant is not likely to affect RNA splicing. In summary, the available evidence is currently insufficient to determine the role of this variant in disease. Therefore, it has been classified as a Variant of Uncertain Significance.

Literature cited by the submitters: PubMed 29891534.

NM_000551.4(VHL):c.340+685T>A

Genes: VHL (von Hippel-Lindau tumor suppressor; plus strand), LOC107303340 (3p25 von Hippel-Lindau tumor suppressor, E3 ubiquitin protein ligase Alu-mediated recombination region; plus strand). Cytogenetic location: 3p25.3.
Variant type: single nucleotide variant.
Coding change: c.340+685T>A on transcript NM_000551.4 (MANE Select); 685 bases into the intron after coding-DNA position 340, T replaced by A.
Molecular consequence: intron variant. On other transcripts: synonymous variant (1).
Genome position (GRCh38, 1-based): chr3:10,142,872, T>A. VCF-style: chr3-10142872-T-A. GRCh37 (hg19) VCF-style: chr3-10184556-T-A.
Other names: c.450T>A, p.Val150= (NM_001354723.2); c.340+685T>A (NM_198156.3).
Identifiers: ClinVar variation 1373396 (VCV001373396.6), dbSNP rs1696160690, ClinGen allele CA1044995510.
Genomic context (GRCh38, chr3:10,142,872, plus strand): 5'-GAACACATTCCTCCTGGGGAGACTGACAGATGCAAAGACAGGAACAAGCCAGGGTCATGT[T>A]GGCGCCGGAAGAGCCGACCGTGTGTGGCGTGGGAAATTGACTTACCTGCCTGCTGGGAGA-3'